The following is an entry in ClinVar:

NM_014956.5(CEP164):c.2472C>A (p.His824Gln)

Gene: CEP164 (centrosomal protein 164; plus strand). Cytogenetic location: 11q23.3.
Variant type: single nucleotide variant.
Coding change: c.2472C>A on transcript NM_014956.5 (MANE Select); coding-DNA position 2472, C replaced by A.
Protein change: p.His824Gln; replaces histidine 824 with glutamine.
Molecular consequence: missense variant.
Genome position (GRCh38, 1-based): chr11:117,392,606, C>A. VCF-style: chr11-117392606-C-A. GRCh37 (hg19) VCF-style: chr11-117263322-C-A.
Other names: c.2481C>A, p.His827Gln (NM_001271933.2); short protein forms H824Q, H827Q.
Identifiers: ClinVar variation 1999963 (VCV001999963.4), dbSNP rs751751431, ClinGen allele CA382726047.

ClinVar aggregate classification (germline): Uncertain significance (1 of 4 stars; one submission).

Conditions:
Nephronophthisis 15 (NPHP15). Identifiers: Orphanet 3156, MedGen C3541853, MONDO:0013917, OMIM 614845.

Allele frequency attached by ClinVar (database versions not stated): TOPMed below 0.00001; gnomAD 0.00001.

Submission:

Labcorp Genetics (formerly Invitae), Labcorp
Classification: Uncertain significance for Nephronophthisis 15. Last evaluated: 2024-10-29. Review status: criteria provided, single submitter. Criteria: Invitae Variant Classification Sherloc (09022015). Collection method: clinical testing. Allele origin: germline.
Comment: This sequence change replaces histidine, which is basic and polar, with glutamine, which is neutral and polar, at codon 824 of the CEP164 protein (p.His824Gln). This variant is not present in population databases (gnomAD no frequency). This variant has not been reported in the literature in individuals affected with CEP164-related conditions. ClinVar contains an entry for this variant (Variation ID: 1999963). Invitae Evidence Modeling of protein sequence and biophysical properties (such as structural, functional, and spatial information, amino acid conservation, physicochemical variation, residue mobility, and thermodynamic stability) indicates that this missense variant is not expected to disrupt CEP164 protein function with a negative predictive value of 80%. In summary, the available evidence is currently insufficient to determine the role of this variant in disease. Therefore, it has been classified as a Variant of Uncertain Significance.